The following is an entry in ClinVar:

NM_006012.4(CLPP):c.368-2A>G

Gene: CLPP (caseinolytic mitochondrial matrix peptidase proteolytic subunit; plus strand). Cytogenetic location: 19p13.3.
Variant type: single nucleotide variant.
Coding change: c.368-2A>G on transcript NM_006012.4 (MANE Select); the canonical splice acceptor site of the intron before coding-DNA position 368, A replaced by G.
Molecular consequence: splice acceptor variant.
Genome position (GRCh38, 1-based): chr19:6,364,450, A>G. VCF-style: chr19-6364450-A-G. GRCh37 (hg19) VCF-style: chr19-6364461-A-G.
Identifiers: ClinVar variation 3257347 (VCV003257347.17).
Genomic context (GRCh38, chr19:6,364,450, plus strand): 5'-ATGGAATAGGGAAAGGGTCGGGGGGAGCTGGTCCAGCCCCTCACTTGCTCCCCCGCCCAC[A>G]GGTGGTGTGGTGACCGCGGGCCTGGCCATCTACGACACGATGCAGTACATCCTCAACCCG-3'

ClinVar aggregate classification (germline): Pathogenic/Likely pathogenic. Review status: criteria provided, multiple submitters, no conflicts (2 of 4 stars). 2 submissions from 2 submitters: Pathogenic (1); Likely pathogenic (1). Last evaluated 2025-02-07.

Conditions:
Perrault syndrome 3 (PRLTS3). Identifiers: Orphanet 2855, MedGen C3808414, MONDO:0013588, OMIM 614129.

gnomAD v4.1: 1 of 1,605,328 alleles (0.000062%); no homozygotes.

Submissions (2):

3billion
Classification: Pathogenic for Perrault syndrome 3. Last evaluated: 2025-02-07. Review status: criteria provided, single submitter. Criteria: ACMG Guidelines, 2015. Collection method: clinical testing. Allele origin: germline. Affected: yes.
Comment: The variant is observed at an extremely low frequency in the gnomAD v4.1.0 dataset (total allele frequency: <0.001%). Predicted Consequence/Location: Canonical splice site: predicted to alter splicing and result in a loss or disruption of normal protein function. Multiple pathogenic loss-of-function variants are reported downstream of the variant. In silico tools predict the variant to alter splicing and produce an abnormal transcript [SpliceAI: 1.00 (spliceogenicity >=0.2, non-spliceogenicity <0.1)]. The variant has been reported to be associated with CLPP-related disorder (ClinVar ID: VCV003257347). Therefore, this variant is classified as Pathogenic according to the recommendation of ACMG/AMP guideline.

CeGaT Center for Human Genetics Tuebingen
Classification: Likely pathogenic. Last evaluated: 2024-07-01. Review status: criteria provided, single submitter. Criteria: CeGaT Center For Human Genetics Tuebingen Variant Classification Criteria Version 2. Collection method: clinical testing. Allele origin: germline. Affected: yes. Observed: 3 variant alleles.
Comment: CLPP: PVS1:Strong, PM2, PM3:Supporting